The following is an entry in ClinVar:

ClinVar aggregate classification (germline): Pathogenic (1 of 4 stars; one submission).

Submission:

Labcorp Genetics (formerly Invitae), Labcorp
Classification: Pathogenic. Last evaluated: 2023-10-07. Review status: criteria provided, single submitter. Criteria: Invitae Variant Classification Sherloc (09022015). Collection method: clinical testing. Allele origin: germline.
Comment: This sequence change creates a premature translational stop signal (p.Leu411Hisfs*2) in the MTTP gene. It is expected to result in an absent or disrupted protein product. Loss-of-function variants in MTTP are known to be pathogenic (PMID: 8533758, 9671739). This variant is not present in population databases (gnomAD no frequency). This variant has not been reported in the literature in individuals affected with MTTP-related conditions. For these reasons, this variant has been classified as Pathogenic.

Literature cited by the submitters: PubMed 8533758; PubMed 9671739.

NM_001386140.1(MTTP):c.1230_1231del (p.Leu411fs)

Gene: MTTP (microsomal triglyceride transfer protein; plus strand). Cytogenetic location: 4q23.
Variant type: Deletion.
Coding change: c.1230_1231del on transcript NM_001386140.1 (MANE Select); coding-DNA positions 1230 to 1231, 2 bases deleted (CC; older notation c.1230_1231delCC).
Protein change: p.Leu411fs; shifts the reading frame from leucine 411.
Molecular consequence: frameshift variant.
Genome position (GRCh38, 1-based): chr4:99,600,727-99,600,728, CC deleted; deleting any 2 consecutive bases within chr4:99,600,726-99,600,728 gives the same sequence; the c. name uses the placement nearest the transcript's 3' end. VCF-style (leftmost placement, unchanged base first): chr4-99600725-GCC-G. GRCh37 (hg19) VCF-style: chr4-100521882-GCC-G.
Other names: c.1230_1231del, p.Leu411fs (NM_000253.4); c.981_982del, p.Leu328fs (NM_001300785.2); short protein forms L411fs, L328fs.
Identifiers: ClinVar variation 2766675 (VCV002766675.3), dbSNP rs1725675795, ClinGen allele CA1480079201.
Genomic context (GRCh38, chr4:99,600,725, plus strand): 5'-CAGGAGAGGTTTCTCTATGCCTGTGGATTTGCTTCTCATCCCAATGAAGAACTCCTGAGA[GCC>G]CTCATTGTAAGTCAAATAGAAAATAAAGACCCTCAACTCCTATAAAACTTCTTAAGAATA-3'